The following is an entry in ClinVar:

NM_015374.3(SUN2):c.752C>G (p.Ala251Gly)

Gene: SUN2 (Sad1 and UNC84 domain containing 2; minus strand). Cytogenetic location: 22q13.1.
Variant type: single nucleotide variant.
Coding change: c.752C>G on transcript NM_015374.3 (MANE Select); coding-DNA position 752, C replaced by G.
Protein change: p.Ala251Gly; replaces alanine 251 with glycine.
Molecular consequence: missense variant. On other transcripts: intron variant (2).
Genome position (GRCh38, 1-based): chr22:38,745,745, G>C on the plus strand (C>G on the coding strand, the complement: SUN2 is on the minus strand). VCF-style: chr22-38745745-G-C. GRCh37 (hg19) VCF-style: chr22-39141750-G-C.
Other names: c.815C>G, p.Ala272Gly (NM_001199579.2, NM_001394428.1); c.752C>G, p.Ala251Gly (NM_001199580.2, NM_001394431.1, NM_001394432.1 and 6 more transcripts); c.845C>G, p.Ala282Gly (NM_001394427.1); c.797C>G, p.Ala266Gly (NM_001394429.1, NM_001394430.1); c.662C>G, p.Ala221Gly (NM_001394438.1); c.614C>G, p.Ala205Gly (NM_001394439.1, NM_001394440.1, NM_001394441.1); c.260C>G, p.Ala87Gly (NM_001394443.1); c.614+4021C>G (NM_001394444.1, NM_001394445.1); short protein forms A221G, A251G, A272G, A205G, A266G, A282G, A87G.
Identifiers: ClinVar variation 1395367 (VCV001395367.6), dbSNP rs1051031562, ClinGen allele CA411585801.

ClinVar aggregate classification (germline): Uncertain significance (1 of 4 stars; one submission).

Conditions:
Emery-Dreifuss muscular dystrophy (EDMD). Also called: Scapuloperoneal syndrome, X-linked (formerly); Humeroperoneal neuromuscular disease, (formerly). Identifiers: Orphanet 261, MedGen C0410189, MONDO:0016830.

Submission:

Labcorp Genetics (formerly Invitae), Labcorp
Classification: Uncertain significance for Emery-Dreifuss muscular dystrophy. Last evaluated: 2021-08-24. Review status: criteria provided, single submitter. Criteria: Invitae Variant Classification Sherloc (09022015). Collection method: clinical testing. Allele origin: germline.
Comment: In summary, the available evidence is currently insufficient to determine the role of this variant in disease. Therefore, it has been classified as a Variant of Uncertain Significance. Algorithms developed to predict the effect of missense changes on protein structure and function output the following: SIFT: "Tolerated"; PolyPhen-2: "Benign"; Align-GVGD: "Class C0". The glycine amino acid residue is found in multiple mammalian species, which suggests that this missense change does not adversely affect protein function. This variant is not present in population databases (ExAC no frequency). This sequence change replaces alanine with glycine at codon 251 of the SUN2 protein (p.Ala251Gly). The alanine residue is weakly conserved and there is a small physicochemical difference between alanine and glycine. This variant has not been reported in the literature in individuals affected with SUN2-related conditions.